The following is an entry in ClinVar:

ClinVar aggregate classification (germline): Pathogenic/Likely pathogenic. Review status: criteria provided, multiple submitters, no conflicts (2 of 4 stars). 2 submissions from 2 submitters: Pathogenic (1); Likely pathogenic (1). Last evaluated 2023-11-16.

Conditions:
PKD1-related disorder. Also called: PKD1-related condition.

Submissions (2):

Blueprint Genetics
Classification: Likely pathogenic for PKD1-related disorders. Last evaluated: 2023-11-16. Review status: criteria provided, single submitter. Criteria: ACMG Guidelines, 2015. Collection method: clinical testing. Allele origin: germline. Affected: yes. Observed: 1 variant allele.

GeneDx
Classification: Pathogenic. Last evaluated: 2023-05-30. Review status: criteria provided, single submitter. Criteria: GeneDx Variant Classification Process June 2021. Collection method: clinical testing. Allele origin: germline. Affected: yes.
Comment: Frameshift variant predicted to result in protein truncation or nonsense mediated decay in a gene for which loss of function is a known mechanism of disease; Not observed at significant frequency in large population cohorts (gnomAD); Has not been previously published as pathogenic or benign to our knowledge

NM_001009944.3(PKD1):c.9347del (p.Gly3116fs)

Gene: PKD1 (polycystin 1, transient receptor potential channel interacting; minus strand). Cytogenetic location: 16p13.3.
Variant type: Deletion.
Coding change: c.9347del on transcript NM_001009944.3 (MANE Select); coding-DNA position 9347, one base deleted (G; older notation c.9347delG).
Protein change: p.Gly3116fs; shifts the reading frame from glycine 3116.
Molecular consequence: frameshift variant.
Genome position (GRCh38, 1-based): chr16:2,102,111, C deleted on the plus strand (G on the coding strand, the reverse complement: PKD1 is on the minus strand); the first of 4 consecutive C bases (chr16:2,102,111-2,102,114); deleting any one gives the same sequence. VCF-style (leftmost placement, unchanged base first): chr16-2102110-GC-G. GRCh37 (hg19) VCF-style: chr16-2152111-GC-G.
Other names: c.9347del, p.Gly3116fs (NM_000296.4); c.9344delG, p.Gly3116Alafs (NM_001009944.2); short protein forms G3116fs.
Identifiers: ClinVar variation 2504558 (VCV002504558.2), dbSNP rs2544730117, ClinGen allele CA2575878278.